The following is an entry in ClinVar:

ClinVar aggregate classification (germline): Uncertain significance (1 of 4 stars; one submission).

Conditions:
Hereditary cancer-predisposing syndrome. Also called: Neoplastic Syndromes, Hereditary; Tumor predisposition; Hereditary Cancer Syndrome; Hereditary neoplastic syndrome. Identifiers: Orphanet 140162, MedGen C0027672, MeSH D009386, MONDO:0015356.

Allele frequency attached by ClinVar (database versions not stated): gnomAD 0.00001.
gnomAD v4.1: 2 of 1,614,076 alleles (0.00012%); highest among the groups gnomAD compares: Non-Finnish European, 0.00017%; no homozygotes.

Submission:

Ambry Genetics
Classification: Uncertain significance for Hereditary cancer-predisposing syndrome. Last evaluated: 2021-06-18. Review status: criteria provided, single submitter. Criteria: Ambry Variant Classification Scheme 2023. Collection method: clinical testing. Allele origin: germline.
Comment: The p.C84G variant (also known as c.250T>G), located in coding exon 2 of the TMEM127 gene, results from a T to G substitution at nucleotide position 250. The cysteine at codon 84 is replaced by glycine, an amino acid with highly dissimilar properties. This amino acid position is highly conserved in available vertebrate species. In addition, this alteration is predicted to be deleterious by in silico analysis. Since supporting evidence is limited at this time, the clinical significance of this alteration remains unclear.

NM_017849.4(TMEM127):c.250T>G (p.Cys84Gly)

Gene: TMEM127 (transmembrane protein 127; minus strand). Cytogenetic location: 2q11.2.
Variant type: single nucleotide variant.
Coding change: c.250T>G on transcript NM_017849.4 (MANE Select); coding-DNA position 250, T replaced by G.
Protein change: p.Cys84Gly; replaces cysteine 84 with glycine.
Molecular consequence: missense variant.
Genome position (GRCh38, 1-based): chr2:96,254,992, A>C on the plus strand (T>G on the coding strand, the complement: TMEM127 is on the minus strand). VCF-style: chr2-96254992-A-C. GRCh37 (hg19) VCF-style: chr2-96920730-A-C.
Other names: c.250T>G, p.Cys84Gly (NM_001193304.3); short protein forms C84G.
Identifiers: ClinVar variation 821400 (VCV000821400.4), dbSNP rs1369345321, ClinGen allele CA347653699.
Genomic context (GRCh38, chr2:96,254,992, plus strand): 5'-TGCCCAGGAAACAGAAGGCGGCGATGACCCGCAGGAGCAGCACTGTCTGGGGATTCATGC[A>C]GAAATCTGTAGAGGGAGAACCAAATTTTCACGGCCCCAAGTAACACTTGGTGCAGGAAGT-3'
Protein context (NP_060319.1, residues 74-94): YVHPDLLKDF[Cys84Gly]MNPQTVLLLR